The following is an entry in ClinVar:

NM_025179.4(PLXNA2):c.1611C>T (p.Cys537=)

Gene: PLXNA2 (plexin A2; minus strand). Cytogenetic location: 1q32.2.
Variant type: single nucleotide variant.
Coding change: c.1611C>T on transcript NM_025179.4 (MANE Select); coding-DNA position 1611, C replaced by T.
Protein change: p.Cys537=; no amino-acid change (cysteine 537 retained).
Molecular consequence: synonymous variant.
Genome position (GRCh38, 1-based): chr1:208,098,966, G>A on the plus strand (C>T on the coding strand, the complement: PLXNA2 is on the minus strand). VCF-style: chr1-208098966-G-A. GRCh37 (hg19) VCF-style: chr1-208272311-G-A.
Identifiers: ClinVar variation 3358475 (VCV003358475.1).

ClinVar aggregate classification (germline): Likely benign (0 of 4 stars; one submission).

Conditions:
PLXNA2-related disorder. Also called: PLXNA2-related condition.

gnomAD v4.1: 5 of 1,589,934 alleles (0.00031%); highest among the groups gnomAD compares: Admixed American, 0.0036%; no homozygotes.

Submission:

PreventionGenetics, part of Exact Sciences
Classification: Likely benign for PLXNA2-related condition. Last evaluated: 2022-01-17. Review status: no assertion criteria provided. Collection method: clinical testing. Allele origin: germline.
Comment: This variant is classified as likely benign based on ACMG/AMP sequence variant interpretation guidelines (Richards et al. 2015 PMID: 25741868, with internal and published modifications).